The following is an entry in ClinVar:

ClinVar aggregate classification (germline): Likely benign (1 of 4 stars; one submission).

Allele frequency attached by ClinVar (database versions not stated): TOPMed 0.00005; gnomAD 0.00011; gnomAD exomes 0.00021; ExAC 0.00050; 1000 Genomes Project 30x 0.00094; 1000 Genomes Project 0.00120.
gnomAD v4.1: 322 of 1,614,090 alleles (0.02%); highest among the groups gnomAD compares: South Asian, 0.3%; 3 homozygotes.

Submission:

CeGaT Center for Human Genetics Tuebingen
Classification: Likely benign. Last evaluated: 2022-08-01. Review status: criteria provided, single submitter. Criteria: CeGaT Center For Human Genetics Tuebingen Variant Classification Criteria Version 2. Collection method: clinical testing. Allele origin: germline. Affected: yes. Observed: 1 variant allele.
Comment: DLG2: BP4, BP7

NM_001142699.3(DLG2):c.423A>G (p.Val141=)

Gene: DLG2 (discs large MAGUK scaffold protein 2; minus strand). Cytogenetic location: 11q14.1.
Variant type: single nucleotide variant.
Coding change: c.423A>G on transcript NM_001142699.3 (MANE Select); coding-DNA position 423, A replaced by G.
Protein change: p.Val141=; no amino-acid change (valine 141 retained).
Molecular consequence: synonymous variant.
Genome position (GRCh38, 1-based): chr11:84,534,666, T>C on the plus strand (A>G on the coding strand, the complement: DLG2 is on the minus strand). VCF-style: chr11-84534666-T-C. GRCh37 (hg19) VCF-style: chr11-84245709-T-C.
Other names: c.108A>G, p.Val36= (NM_001300983.1, NM_001364.3, NM_001377968.1); c.459A>G, p.Val153= (NM_001351274.2); c.456A>G, p.Val152= (NM_001351275.2); c.165A>G, p.Val55= (NM_001351276.2).
Identifiers: ClinVar variation 2642238 (VCV002642238.24), dbSNP rs557832004, ClinGen allele CA6212109.